The following is an entry in ClinVar:

NM_198576.4(AGRN):c.828C>T (p.Cys276=)

Gene: AGRN (agrin; plus strand). Cytogenetic location: 1p36.33.
Variant type: single nucleotide variant.
Coding change: c.828C>T on transcript NM_198576.4 (MANE Select); coding-DNA position 828, C replaced by T.
Protein change: p.Cys276=; no amino-acid change (cysteine 276 retained).
Molecular consequence: synonymous variant.
Genome position (GRCh38, 1-based): chr1:1,041,273, C>T. VCF-style: chr1-1041273-C-T. GRCh37 (hg19) VCF-style: chr1-976653-C-T.
Other names: c.828C>T, p.Cys276= (NM_001305275.2); c.513C>T, p.Cys171= (NM_001364727.2).
Identifiers: ClinVar variation 3054758 (VCV003054758.2), dbSNP rs2522661656, ClinGen allele CA415363186.
Genomic context (GRCh38, chr1:1,041,273, plus strand): 5'-CAGCACCTGTGCGCGCTCGGCCGACGGGCTGACGGCCTCGTGCCTGTGCCCCGCGACCTG[C>T]CGTGGCGCCCCCGAGGGGACCGTCTGCGGCAGCGACGGCGCCGACTACCCCGGCGAGTGC-3'
Protein context (NP_940978.2, residues 266-286): LTASCLCPAT[Cys276=]RGAPEGTVCG

ClinVar aggregate classification (germline): Likely benign (0 of 4 stars; one submission).

Conditions:
AGRN-related disorder. Also called: AGRN-related condition.

Submission:

PreventionGenetics, part of Exact Sciences
Classification: Likely benign for AGRN-related condition. Last evaluated: 2022-07-14. Review status: no assertion criteria provided. Collection method: clinical testing. Allele origin: germline.
Comment: This variant is classified as likely benign based on ACMG/AMP sequence variant interpretation guidelines (Richards et al. 2015 PMID: 25741868, with internal and published modifications).